The following is an entry in ClinVar:

NM_021224.6(ZNF462):c.6169A>G (p.Lys2057Glu)

Gene: ZNF462 (zinc finger protein 462; plus strand). Cytogenetic location: 9q31.2.
Variant type: single nucleotide variant.
Coding change: c.6169A>G on transcript NM_021224.6 (MANE Select); coding-DNA position 6169, A replaced by G.
Protein change: p.Lys2057Glu; replaces lysine 2057 with glutamic acid.
Molecular consequence: missense variant.
Genome position (GRCh38, 1-based): chr9:106,935,555, A>G. VCF-style: chr9-106935555-A-G. GRCh37 (hg19) VCF-style: chr9-109697836-A-G.
Other names: c.3574A>G, p.Lys1192Glu (NM_001347997.2); short protein forms K1192E, K2057E.
Identifiers: ClinVar variation 4536570 (VCV004536570.1).

ClinVar aggregate classification (germline): Uncertain significance (1 of 4 stars; one submission).

Submission:

GeneDx
Classification: Uncertain significance. Last evaluated: 2025-06-05. Review status: criteria provided, single submitter. Criteria: GeneDx Variant Classification Process June 2021. Collection method: clinical testing. Allele origin: germline. Affected: yes.
Comment: Not observed at significant frequency in large population cohorts (gnomAD); In silico analysis suggests that this missense variant does not alter protein structure/function; Has not been previously published as pathogenic or benign to our knowledge